The following is an entry in ClinVar:

NM_002242.4(KCNJ13):c.524_525inv (p.Thr175Met)

Genes: GIGYF2 (GRB10 interacting GYF protein 2; plus strand), KCNJ13 (potassium inwardly rectifying channel subfamily J member 13; minus strand). Cytogenetic location: 2q37.1.
Variant type: Inversion.
Coding change: c.524_525inv on transcript NM_002242.4 (MANE Select).
Protein change: p.Thr175Met; replaces threonine 175 with methionine.
Molecular consequence: missense variant. On other transcripts: 3 prime UTR variant (1), intron variant (4).
Genome position: GRCh38 VCF-style: chr2-232768749-TG-CA. GRCh37 (hg19) VCF-style: chr2-233633459-TG-CA.
Other names: c.*3_*4inv (NM_001172416.1); c.284_285inv, p.Thr95Met (NM_001172417.1); c.532+7313_532+7314inv (NM_001103146.3, NM_015575.4, NM_001103147.2 and 1 more transcripts); short protein forms T95M, T175M.
Identifiers: ClinVar variation 1047676 (VCV001047676.8), ClinGen allele CA2499215795.

ClinVar aggregate classification (germline): Uncertain significance (1 of 4 stars; one submission).

Submission:

Labcorp Genetics (formerly Invitae), Labcorp
Classification: Uncertain significance. Last evaluated: 2022-07-26. Review status: criteria provided, single submitter. Criteria: Invitae Variant Classification Sherloc (09022015). Collection method: clinical testing. Allele origin: germline.
Comment: In summary, the available evidence is currently insufficient to determine the role of this variant in disease. Therefore, it has been classified as a Variant of Uncertain Significance. Algorithms developed to predict the effect of missense changes on protein structure and function are either unavailable or do not agree on the potential impact of this missense change (SIFT: "Not Available"; PolyPhen-2: "Benign"; Align-GVGD: "Not Available"). ClinVar contains an entry for this variant (Variation ID: 1047676). This variant has not been reported in the literature in individuals affected with KCNJ13-related conditions. The frequency data for this variant in the population databases is considered unreliable, as metrics indicate poor data quality at this position in the gnomAD database. This sequence change replaces threonine, which is neutral and polar, with methionine, which is neutral and non-polar, at codon 175 of the KCNJ13 protein (p.Thr175Met).